The following is an entry in ClinVar:

ClinVar aggregate classification (germline): Conflicting classifications of pathogenicity. Review status: criteria provided, conflicting classifications (1 of 4 stars). 2 submissions from 2 submitters: Likely pathogenic (1); Uncertain significance (1). Last evaluated 2024-06-07.

gnomAD v4.1: 4 of 1,614,162 alleles (0.00025%); highest among the groups gnomAD compares: Middle Eastern, 0.017%; no homozygotes.

Submissions (2):

Blueprint Genetics
Classification: Uncertain significance. Last evaluated: 2024-06-07. Review status: criteria provided, single submitter. Criteria: ACMG Guidelines, 2015. Collection method: clinical testing. Allele origin: germline.

Labcorp Genetics (formerly Invitae), Labcorp
Classification: Likely pathogenic. Last evaluated: 2024-01-11. Review status: criteria provided, single submitter. Criteria: Invitae Variant Classification Sherloc (09022015). Collection method: clinical testing. Allele origin: germline.
Comment: This sequence change replaces alanine, which is neutral and non-polar, with glycine, which is neutral and non-polar, at codon 763 of the ABCA4 protein (p.Ala763Gly). This variant is not present in population databases (gnomAD no frequency). This variant has not been reported in the literature in individuals affected with ABCA4-related conditions. Advanced modeling of protein sequence and biophysical properties (such as structural, functional, and spatial information, amino acid conservation, physicochemical variation, residue mobility, and thermodynamic stability) performed at Invitae indicates that this missense variant is expected to disrupt ABCA4 protein function with a positive predictive value of 95%. This variant disrupts the p.Ala763 amino acid residue in ABCA4. Other variant(s) that disrupt this residue have been determined to be pathogenic (Invitae). This suggests that this residue is clinically significant, and that variants that disrupt this residue are likely to be disease-causing. In summary, the currently available evidence indicates that the variant is pathogenic, but additional data are needed to prove that conclusively. Therefore, this variant has been classified as Likely Pathogenic.

NM_000350.3(ABCA4):c.2288C>G (p.Ala763Gly)

Gene: ABCA4 (ATP binding cassette subfamily A member 4; minus strand). Cytogenetic location: 1p22.1.
Variant type: single nucleotide variant.
Coding change: c.2288C>G on transcript NM_000350.3 (MANE Select); coding-DNA position 2288, C replaced by G.
Protein change: p.Ala763Gly; replaces alanine 763 with glycine.
Molecular consequence: missense variant.
Genome position (GRCh38, 1-based): chr1:94,056,695, G>C on the plus strand (C>G on the coding strand, the complement: ABCA4 is on the minus strand). VCF-style: chr1-94056695-G-C. GRCh37 (hg19) VCF-style: chr1-94522251-G-C.
Other names: short protein forms A763G.
Identifiers: ClinVar variation 2872833 (VCV002872833.4), dbSNP rs1660985994, ClinGen allele CA341277846.
Genomic context (GRCh38, chr1:94,056,695, plus strand): 5'-TGCCAGGCGAAGCACAGGATGTGTGGCAGGTAGAGGGTGAAATAGATGACACCACTACAG[G>C]CTGCTGCCAGACTGGCCTTGGAGAAGAAGGTGCTGAGCAGAAAGCACAGCATGATGGTGG-3'
Protein context (NP_000341.2, residues 753-773): TFFSKASLAA[Ala763Gly]CSGVIYFTLY